The following is an entry in ClinVar:

ClinVar aggregate classification (germline): Uncertain significance (1 of 4 stars; one submission).

Allele frequency attached by ClinVar (database versions not stated): gnomAD 0.00001.

Submission:

Labcorp Genetics (formerly Invitae), Labcorp
Classification: Uncertain significance. Last evaluated: 2025-07-03. Review status: criteria provided, single submitter. Criteria: Invitae Variant Classification Sherloc (09022015). Collection method: clinical testing. Allele origin: germline.
Comment: This sequence change replaces proline, which is neutral and non-polar, with serine, which is neutral and polar, at codon 65 of the TSPAN12 protein (p.Pro65Ser). This variant is not present in population databases (gnomAD no frequency). This variant has not been reported in the literature in individuals affected with TSPAN12-related conditions. ClinVar contains an entry for this variant (Variation ID: 2800134). Invitae Evidence Modeling of protein sequence and biophysical properties (such as structural, functional, and spatial information, amino acid conservation, physicochemical variation, residue mobility, and thermodynamic stability) indicates that this missense variant is not expected to disrupt TSPAN12 protein function with a negative predictive value of 80%. This variant disrupts the p.Pro65 amino acid residue in TSPAN12. Other variant(s) that disrupt this residue have been determined to be pathogenic (PMID: 26244290, 30452590, 33090715; internal data). This suggests that this residue is clinically significant, and that variants that disrupt this residue are likely to be disease-causing. In summary, the available evidence is currently insufficient to determine the role of this variant in disease. Therefore, it has been classified as a Variant of Uncertain Significance.

Literature cited by the submitters: PubMed 26244290; PubMed 30452590; PubMed 33090715.

NM_012338.4(TSPAN12):c.193C>T (p.Pro65Ser)

Gene: TSPAN12 (tetraspanin 12; minus strand). Cytogenetic location: 7q31.31.
Variant type: single nucleotide variant.
Coding change: c.193C>T on transcript NM_012338.4 (MANE Select); coding-DNA position 193, C replaced by T.
Protein change: p.Pro65Ser; replaces proline 65 with serine.
Molecular consequence: missense variant.
Genome position (GRCh38, 1-based): chr7:120,838,869, G>A on the plus strand (C>T on the coding strand, the complement: TSPAN12 is on the minus strand). VCF-style: chr7-120838869-G-A. GRCh37 (hg19) VCF-style: chr7-120478923-G-A.
Other names: short protein forms P65S.
Identifiers: ClinVar variation 2800134 (VCV002800134.3), dbSNP rs1794527199, ClinGen allele CA369141359.
Genomic context (GRCh38, chr7:120,838,869, plus strand): 5'-TTCCACAATATCCTAACATCCCCACAATGATAAGGAAACAGCAAACAGCAATCATGACCG[G>A]ATGAACCACAGGAAAGTAAGTCAAAATGACTGCTTCCTCTACCCTGAAAGAAGAAAAATA-3'
Protein context (NP_036470.1, residues 55-75): VILTYFPVVH[Pro65Ser]VMIAVCCFLI